The following is an entry in ClinVar:

NM_001388303.1(HECTD4):c.10566G>A (p.Pro3522=)

Gene: HECTD4 (HECT domain E3 ubiquitin protein ligase 4; minus strand). Cytogenetic location: 12q24.13.
Variant type: single nucleotide variant.
Coding change: c.10566G>A on transcript NM_001388303.1 (MANE Select); coding-DNA position 10566, G replaced by A.
Protein change: p.Pro3522=; no amino-acid change (proline 3522 retained).
Molecular consequence: synonymous variant.
Genome position (GRCh38, 1-based): chr12:112,184,400, C>T on the plus strand (G>A on the coding strand, the complement: HECTD4 is on the minus strand). VCF-style: chr12-112184400-C-T. GRCh37 (hg19) VCF-style: chr12-112622204-C-T.
Other names: c.10596G>A, p.Pro3532= (NM_001109662.4).
Identifiers: ClinVar variation 3054680 (VCV003054680.2), dbSNP rs930701505, ClinGen allele CA482129040.

ClinVar aggregate classification (germline): Likely benign (0 of 4 stars; one submission).

Conditions:
HECTD4-related disorder. Also called: HECTD4-related condition.

gnomAD v4.1: 3 of 1,608,148 alleles (0.00019%); 1 homozygote.

Submission:

PreventionGenetics, part of Exact Sciences
Classification: Likely benign for HECTD4-related condition. Last evaluated: 2023-08-08. Review status: no assertion criteria provided. Collection method: clinical testing. Allele origin: germline.
Comment: This variant is classified as likely benign based on ACMG/AMP sequence variant interpretation guidelines (Richards et al. 2015 PMID: 25741868, with internal and published modifications).